The following is an entry in ClinVar:

NM_145064.3(STAC3):c.799G>C (p.Asp267His)

Gene: STAC3 (SH3 and cysteine rich domain 3; minus strand). Cytogenetic location: 12q13.3.
Variant type: single nucleotide variant.
Coding change: c.799G>C on transcript NM_145064.3 (MANE Select); coding-DNA position 799, G replaced by C.
Protein change: p.Asp267His; replaces aspartic acid 267 with histidine.
Molecular consequence: missense variant. On other transcripts: non-coding transcript variant (1).
Genome position (GRCh38, 1-based): chr12:57,244,544, C>G on the plus strand (G>C on the coding strand, the complement: STAC3 is on the minus strand). VCF-style: chr12-57244544-C-G. GRCh37 (hg19) VCF-style: chr12-57638327-C-G.
Other names: c.682G>C, p.Asp228His (NM_001286256.2); c.241G>C, p.Asp81His (NM_001286257.2); short protein forms D267H, D81H, D228H.
Identifiers: ClinVar variation 1472313 (VCV001472313.6), dbSNP rs2136822846, ClinGen allele CA385411533.

ClinVar aggregate classification (germline): Uncertain significance (1 of 4 stars; one submission).

Conditions:
Bailey-Bloch congenital myopathy (CMYO13). Also called: Native American myopathy; Congenital myopathy 13; STAC3 disorder. Identifiers: Orphanet 168572, MedGen C1850625, MONDO:0009722, OMIM 255995.

Submission:

Labcorp Genetics (formerly Invitae), Labcorp
Classification: Uncertain significance for Bailey-Bloch congenital myopathy. Last evaluated: 2021-08-02. Review status: criteria provided, single submitter. Criteria: Invitae Variant Classification Sherloc (09022015). Collection method: clinical testing. Allele origin: germline.
Comment: In summary, the available evidence is currently insufficient to determine the role of this variant in disease. Therefore, it has been classified as a Variant of Uncertain Significance. Algorithms developed to predict the effect of missense changes on protein structure and function are either unavailable or do not agree on the potential impact of this missense change (SIFT: "Deleterious"; PolyPhen-2: "Possibly Damaging"; Align-GVGD: "Class C0"). This variant has not been reported in the literature in individuals affected with STAC3-related conditions. This variant is not present in population databases (ExAC no frequency). This sequence change replaces aspartic acid with histidine at codon 267 of the STAC3 protein (p.Asp267His). The aspartic acid residue is highly conserved and there is a moderate physicochemical difference between aspartic acid and histidine.